The following is an entry in ClinVar:

NM_006421.5(ARFGEF1):c.1016_1017del (p.Ile339fs)

Gene: ARFGEF1 (ARF guanine nucleotide exchange factor 1; minus strand). Cytogenetic location: 8q13.2.
Variant type: Deletion.
Coding change: c.1016_1017del on transcript NM_006421.5 (MANE Select); coding-DNA positions 1016 to 1017, 2 bases deleted (TT; older notation c.1016_1017delTT).
Protein change: p.Ile339fs; shifts the reading frame from isoleucine 339.
Molecular consequence: frameshift variant. On other transcripts: non-coding transcript variant (1), 5 prime UTR variant (1).
Genome position (GRCh38, 1-based): chr8:67,287,965-67,287,966, AA deleted on the plus strand (TT on the coding strand, the reverse complement: ARFGEF1 is on the minus strand). VCF-style (leftmost placement, unchanged base first): chr8-67287964-CAA-C. GRCh37 (hg19) VCF-style: chr8-68200199-CAA-C.
Other names: c.1016_1017del, p.Ile339fs (NM_001413189.1, NM_001413190.1, NM_001413191.1 and 7 more transcripts); c.416_417del, p.Ile139fs (NM_001413193.1, NM_001413197.1, NM_001413188.1); c.-100_-99del (NM_001413196.1); short protein forms I139fs, I339fs.
Identifiers: ClinVar variation 4863069 (VCV004863069.1).

ClinVar aggregate classification (germline): Pathogenic (1 of 4 stars; one submission).

Conditions:
Inborn genetic diseases. Identifiers: MedGen C0950123, MeSH D030342.

Submission:

Ambry Genetics
Classification: Pathogenic for Inborn genetic diseases. Last evaluated: 2026-03-27. Review status: criteria provided, single submitter. Criteria: Ambry Variant Classification Scheme 2023. Collection method: clinical testing. Allele origin: germline.
Comment: The c.1016_1017delTT alteration, located in exon 7 (coding exon 7) of the ARFGEF1 gene, consists of a deletion of 2 nucleotides from position 1016 to 1017, causing a translational frameshift with a predicted alternate stop codon after 26 amino acids. This variant is expected to result in loss of function by premature protein truncation or nonsense-mediated mRNA decay. This variant was not reported in population-based cohorts in the Genome Aggregation Database (gnomAD). Based on the available evidence, this alteration is classified as pathogenic.